The following is an entry in ClinVar:

NM_001134831.2(AHI1):c.1779+1G>A

Gene: AHI1 (Abelson helper integration site 1; minus strand). Cytogenetic location: 6q23.3.
Variant type: single nucleotide variant.
Coding change: c.1779+1G>A on transcript NM_001134831.2 (MANE Select); the canonical splice donor site of the intron after coding-DNA position 1779, G replaced by A.
Molecular consequence: splice donor variant.
Genome position (GRCh38, 1-based): chr6:135,447,007, C>T on the plus strand (G>A on the coding strand, the complement: AHI1 is on the minus strand). VCF-style: chr6-135447007-C-T. GRCh37 (hg19) VCF-style: chr6-135768145-C-T.
Other names: c.1779+1G>A (NM_001134830.2, NM_001350503.2, NM_017651.5 and 2 more transcripts).
Identifiers: ClinVar variation 2733350 (VCV002733350.3), dbSNP rs753655744, ClinGen allele CA4012524.

ClinVar aggregate classification (germline): Likely pathogenic (1 of 4 stars; one submission).

Conditions:
Joubert syndrome. Also called: CEREBELLOPARENCHYMAL DISORDER IV; JOUBERT-BOLTSHAUSER SYNDROME; Familial aplasia of the vermis. Identifiers: Orphanet 475, MedGen C5979921, MONDO:0018772.

Allele frequency attached by ClinVar (database versions not stated): ExAC 0.00001.
gnomAD v4.1: 1 of 1,607,376 alleles (0.000062%); highest among the groups gnomAD compares: Non-Finnish European, 0.000085%; no homozygotes.

Submission:

Labcorp Genetics (formerly Invitae), Labcorp
Classification: Likely pathogenic for Joubert syndrome. Last evaluated: 2023-06-29. Review status: criteria provided, single submitter. Criteria: Invitae Variant Classification Sherloc (09022015). Collection method: clinical testing. Allele origin: germline.
Comment: In summary, the currently available evidence indicates that the variant is pathogenic, but additional data are needed to prove that conclusively. Therefore, this variant has been classified as Likely Pathogenic. Algorithms developed to predict the effect of sequence changes on RNA splicing suggest that this variant may disrupt the consensus splice site. This variant has not been reported in the literature in individuals affected with AHI1-related conditions. The frequency data for this variant in the population databases is considered unreliable, as metrics indicate poor data quality at this position in the gnomAD database. This sequence change affects a donor splice site in intron 12 of the AHI1 gene. It is expected to disrupt RNA splicing. Variants that disrupt the donor or acceptor splice site typically lead to a loss of protein function (PMID: 16199547), and loss-of-function variants in AHI1 are known to be pathogenic (PMID: 15322546, 16453322, 28442542, 29186038).

Literature cited by the submitters: PubMed 16199547; PubMed 15322546; PubMed 16453322; PubMed 28442542; PubMed 29186038.